The following is an entry in ClinVar:

NM_005458.8(GABBR2):c.512A>T (p.Tyr171Phe)

Gene: GABBR2 (gamma-aminobutyric acid type B receptor subunit 2; minus strand). Cytogenetic location: 9q22.33.
Variant type: single nucleotide variant.
Coding change: c.512A>T on transcript NM_005458.8 (MANE Select); coding-DNA position 512, A replaced by T.
Protein change: p.Tyr171Phe; replaces tyrosine 171 with phenylalanine.
Molecular consequence: missense variant.
Genome position (GRCh38, 1-based): chr9:98,541,991, T>A on the plus strand (A>T on the coding strand, the complement: GABBR2 is on the minus strand). VCF-style: chr9-98541991-T-A. GRCh37 (hg19) VCF-style: chr9-101304273-T-A.
Other names: short protein forms Y171F.
Identifiers: ClinVar variation 2820993 (VCV002820993.3), dbSNP rs2490087064, ClinGen allele CA374351098.
Genomic context (GRCh38, chr9:98,541,991, plus strand): 5'-TTGAGCAACTTCAGAATGGCTGGATTCACCGCATTGTCTGATGGGACGGTCCGAAAGAAA[T>A]AAGGGTATTTTTTCTTATCGGCTAGAACAGGCGTGGTTGCAGCAAAAGAAAGCTGAAAAA-3'
Protein context (NP_005449.5, residues 161-181): PVLADKKKYP[Tyr171Phe]FFRTVPSDNA

ClinVar aggregate classification (germline): Uncertain significance (1 of 4 stars; one submission).

Conditions:
Epileptic encephalopathy. Identifiers: MedGen C0543888, HP:0200134.

Submission:

Labcorp Genetics (formerly Invitae), Labcorp
Classification: Uncertain significance for Epileptic encephalopathy. Last evaluated: 2023-06-22. Review status: criteria provided, single submitter. Criteria: Invitae Variant Classification Sherloc (09022015). Collection method: clinical testing. Allele origin: germline.
Comment: This sequence change replaces tyrosine, which is neutral and polar, with phenylalanine, which is neutral and non-polar, at codon 171 of the GABBR2 protein (p.Tyr171Phe). This variant is not present in population databases (gnomAD no frequency). This variant has not been reported in the literature in individuals affected with GABBR2-related conditions. Advanced modeling of protein sequence and biophysical properties (such as structural, functional, and spatial information, amino acid conservation, physicochemical variation, residue mobility, and thermodynamic stability) performed at Invitae indicates that this missense variant is not expected to disrupt GABBR2 protein function. In summary, the available evidence is currently insufficient to determine the role of this variant in disease. Therefore, it has been classified as a Variant of Uncertain Significance.